The following is an entry in ClinVar:

ClinVar aggregate classification (germline): Uncertain significance. Review status: criteria provided, multiple submitters, no conflicts (2 of 4 stars). 2 submissions from 2 submitters: Uncertain significance (2). Last evaluated 2025-10-09.

Allele frequency attached by ClinVar (database versions not stated): ExAC 0.00001; gnomAD exomes 0.00002; TOPMed 0.00002; ESP Exome Variant Server 0.00008.
gnomAD v4.1: 26 of 1,608,786 alleles (0.0016%); highest among the groups gnomAD compares: South Asian, 0.017%; no homozygotes.

Submissions (2):

Labcorp Genetics (formerly Invitae), Labcorp
Classification: Uncertain significance. Last evaluated: 2025-10-09. Review status: criteria provided, single submitter. Criteria: Invitae Variant Classification Sherloc (09022015). Collection method: clinical testing. Allele origin: germline.
Comment: This sequence change replaces proline, which is neutral and non-polar, with leucine, which is neutral and non-polar, at codon 2287 of the FBN3 protein (p.Pro2287Leu). This variant is present in population databases (rs372213878, gnomAD 0.006%). This variant has not been reported in the literature in individuals affected with FBN3-related conditions. ClinVar contains an entry for this variant (Variation ID: 2219659). Invitae Evidence Modeling of protein sequence and biophysical properties (such as structural, functional, and spatial information, amino acid conservation, physicochemical variation, residue mobility, and thermodynamic stability) indicates that this missense variant is not expected to disrupt FBN3 protein function with a negative predictive value of 80%. In summary, the available evidence is currently insufficient to determine the role of this variant in disease. Therefore, it has been classified as a Variant of Uncertain Significance.

Ambry Genetics
Classification: Uncertain significance. Last evaluated: 2021-08-12. Review status: criteria provided, single submitter. Criteria: Ambry Variant Classification Scheme 2023. Collection method: clinical testing. Allele origin: germline.

NM_032447.5(FBN3):c.6860C>T (p.Pro2287Leu)

Gene: FBN3 (fibrillin 3; minus strand). Cytogenetic location: 19p13.2.
Variant type: single nucleotide variant.
Coding change: c.6860C>T on transcript NM_032447.5 (MANE Select); coding-DNA position 6860, C replaced by T.
Protein change: p.Pro2287Leu; replaces proline 2287 with leucine.
Molecular consequence: missense variant.
Genome position (GRCh38, 1-based): chr19:8,086,220, G>A on the plus strand (C>T on the coding strand, the complement: FBN3 is on the minus strand). VCF-style: chr19-8086220-G-A. GRCh37 (hg19) VCF-style: chr19-8151104-G-A.
Other names: c.6860C>T, p.Pro2287Leu (NM_001321431.2); short protein forms P2287L.
Identifiers: ClinVar variation 2219659 (VCV002219659.3), dbSNP rs372213878, ClinGen allele CA9151093.